The following is an entry in ClinVar:

ClinVar aggregate classification (germline): Likely benign. Review status: criteria provided, multiple submitters, no conflicts (2 of 4 stars). 2 submissions from 2 submitters: Likely benign (2). Last evaluated 2022-08-22.

Conditions:
Autosomal recessive limb-girdle muscular dystrophy type 2K. Also called: MUSCULAR DYSTROPHY, LIMB-GIRDLE, TYPE 2K; MUSCULAR DYSTROPHY-DYSTROGLYCANOPATHY (LIMB-GIRDLE), TYPE C, 1. Identifiers: Orphanet 86812, MedGen C1836373, MONDO:0012248, OMIM 609308.
Walker-Warburg congenital muscular dystrophy. Also called: Muscular dystrophy-dystroglycanopathy, type A; Walker-Warburg syndrome. Identifiers: Orphanet 899, MedGen C0265221, MONDO:0000171.
Muscular dystrophy-dystroglycanopathy (congenital with impaired intellectual development), type B, 1. Also called: Muscular dystrophy-dystroglycanopathy (congenital with intellectual disability), type B1; MUSCULAR DYSTROPHY, CONGENITAL, POMT1-RELATED. Identifiers: MedGen C5436962, MONDO:0013159, OMIM 613155.

Allele frequency attached by ClinVar (database versions not stated): TOPMed below 0.00001.

Submissions (2):

Labcorp Genetics (formerly Invitae), Labcorp
Classification: Likely benign for Muscular dystrophy-dystroglycanopathy (congenital with impaired intellectual development), type B, 1; Walker-Warburg congenital muscular dystrophy; Autosomal recessive limb-girdle muscular dystrophy type 2K. Last evaluated: 2022-08-22. Review status: criteria provided, single submitter. Criteria: Invitae Variant Classification Sherloc (09022015). Collection method: clinical testing. Allele origin: germline.

GeneDx
Classification: Likely benign. Last evaluated: 2016-11-03. Review status: criteria provided, single submitter. Criteria: GeneDx Variant Classification (06012015). Collection method: clinical testing. Allele origin: germline. Affected: yes.
Comment: This variant is considered likely benign or benign based on one or more of the following criteria: it is a conservative change, it occurs at a poorly conserved position in the protein, it is predicted to be benign by multiple in silico algorithms, and/or has population frequency not consistent with disease.

NM_001077365.2(POMT1):c.606-12A>G

Gene: POMT1 (protein O-mannosyltransferase 1; plus strand). Cytogenetic location: 9q34.13.
Variant type: single nucleotide variant.
Coding change: c.606-12A>G on transcript NM_001077365.2 (MANE Select); 12 bases into the intron before coding-DNA position 606, A replaced by G.
Molecular consequence: intron variant.
Genome position (GRCh38, 1-based): chr9:131,509,891, A>G. VCF-style: chr9-131509891-A-G. GRCh37 (hg19) VCF-style: chr9-134385278-A-G.
Other names: c.255-12A>G (NM_001374691.1, NM_001353195.2, NM_001374692.1 and 2 more transcripts); c.606-12A>G (NM_007171.4, NM_001374690.1, NM_001353193.2 and 1 more transcripts); c.516-12A>G (NM_001353196.2); c.150-12A>G (NM_001374695.1, NM_001353200.2); c.444-12A>G (NM_001374689.1, NM_001353197.2, NM_001077366.2 and 3 more transcripts).
Identifiers: ClinVar variation 390644 (VCV000390644.6), dbSNP rs1057523851, ClinGen allele CA16606303.